The following is an entry in ClinVar:

ClinVar aggregate classification (germline): Uncertain significance (1 of 4 stars; one submission).

Allele frequency attached by ClinVar (database versions not stated): TOPMed 0.00001.

Submission:

Labcorp Genetics (formerly Invitae), Labcorp
Classification: Uncertain significance. Last evaluated: 2022-07-06. Review status: criteria provided, single submitter. Criteria: Invitae Variant Classification Sherloc (09022015). Collection method: clinical testing. Allele origin: germline.
Comment: This sequence change replaces glutamine, which is neutral and polar, with arginine, which is basic and polar, at codon 462 of the PCLO protein (p.Gln462Arg). This variant is present in population databases (no rsID available, gnomAD 0.003%). This variant has not been reported in the literature in individuals affected with PCLO-related conditions. Algorithms developed to predict the effect of missense changes on protein structure and function are either unavailable or do not agree on the potential impact of this missense change (SIFT: "Deleterious"; PolyPhen-2: "Benign"; Align-GVGD: "Class C0"). In summary, the available evidence is currently insufficient to determine the role of this variant in disease. Therefore, it has been classified as a Variant of Uncertain Significance.

NM_033026.6(PCLO):c.1385A>G (p.Gln462Arg)

Gene: PCLO (piccolo presynaptic cytomatrix protein; minus strand). Cytogenetic location: 7q21.11.
Variant type: single nucleotide variant.
Coding change: c.1385A>G on transcript NM_033026.6 (MANE Select); coding-DNA position 1385, A replaced by G.
Protein change: p.Gln462Arg; replaces glutamine 462 with arginine.
Molecular consequence: missense variant.
Genome position (GRCh38, 1-based): chr7:83,155,256, T>C on the plus strand (A>G on the coding strand, the complement: PCLO is on the minus strand). VCF-style: chr7-83155256-T-C. GRCh37 (hg19) VCF-style: chr7-82784572-T-C.
Other names: c.1385A>G, p.Gln462Arg (NM_014510.3); short protein forms Q462R.
Identifiers: ClinVar variation 2420645 (VCV002420645.6), dbSNP rs958465108, ClinGen allele CA161191011.